The following is an entry in ClinVar:

ClinVar aggregate classification (germline): Pathogenic (1 of 4 stars; one submission).

Conditions:
Pyruvate dehydrogenase E3 deficiency (DLDD). Also called: Dihydrolipoamide Dehydrogenase (E3) Deficiency; Dihydrolipoamide Dehydrogenase E3 Deficiency; Lipoamide dehydrogenase deficiency, lactic acidosis due to; Lipoamide dehydrogenase deficiency; DLD DEFICIENCY; E3 DEFICIENCY. Identifiers: Orphanet 2394, Orphanet 765, MedGen C5574660, MONDO:0009529, OMIM 246900.

Submission:

Labcorp Genetics (formerly Invitae), Labcorp
Classification: Pathogenic for Pyruvate dehydrogenase E3 deficiency. Last evaluated: 2023-08-16. Review status: criteria provided, single submitter. Criteria: Invitae Variant Classification Sherloc (09022015). Collection method: clinical testing. Allele origin: unknown.
Comment: For these reasons, this variant has been classified as Pathogenic. This variant disrupts a region of the DLD protein in which other variant(s) (p.Asp479Val) have been determined to be pathogenic (PMID: 10448086, 17404228, 21558426, 21930696, 21996136, 23995961, 27544700). This suggests that this is a clinically significant region of the protein, and that variants that disrupt it are likely to be disease-causing. This variant is a gross deletion of the genomic region encompassing exon(s) 3-14 of the DLD gene, which includes the termination codon. This deletion extends beyond the assayed region for this gene and therefore may encompass additional genes. While this deletion is not anticipated to lead to nonsense mediated decay, it is expected to alter mRNA translation or result in a truncated protein product. This variant has not been reported in the literature in individuals affected with DLD-related conditions.

Literature cited by the submitters: PubMed 10448086; PubMed 17404228; PubMed 21558426; PubMed 21930696; PubMed 21996136; PubMed 23995961; PubMed 27544700.

NC_000007.13:g.(?_107542163)_(107559704_?)del

Gene: DLD (dihydrolipoamide dehydrogenase; plus strand). Cytogenetic location: 7q31.1.
Variant type: Deletion.
Identifiers: ClinVar variation 3245828 (VCV003245828.1).